The following is an entry in ClinVar:

NM_017780.4(CHD7):c.1349T>G (p.Met450Arg)

Gene: CHD7 (chromodomain helicase DNA binding protein 7; plus strand). Cytogenetic location: 8q12.2.
Variant type: single nucleotide variant.
Coding change: c.1349T>G on transcript NM_017780.4 (MANE Select); coding-DNA position 1349, T replaced by G.
Protein change: p.Met450Arg; replaces methionine 450 with arginine.
Molecular consequence: missense variant.
Genome position (GRCh38, 1-based): chr8:60,742,781, T>G. VCF-style: chr8-60742781-T-G. GRCh37 (hg19) VCF-style: chr8-61655340-T-G.
Other names: c.1349T>G (NM_017780.3); c.1349T>G, p.Met450Arg (NM_001316690.1); short protein forms M450R.
Identifiers: ClinVar variation 2054064 (VCV002054064.7), dbSNP rs762891322, ClinGen allele CA4759475.

ClinVar aggregate classification (germline): Conflicting classifications of pathogenicity. Review status: criteria provided, conflicting classifications (1 of 4 stars). 3 submissions from 3 submitters: Uncertain significance (2); Likely benign (1). Last evaluated 2026-01-01.

Conditions:
Inborn genetic diseases. Identifiers: MedGen C0950123, MeSH D030342.
CHARGE syndrome (CHARGE). Also called: Hittner Hirsch Kreh syndrome; CHARGE ASSOCIATION--COLOBOMA, HEART ANOMALY, CHOANAL ATRESIA, RETARDATION, GENITAL AND EAR ANOMALIES; Coloboma, heart anomaly, choanal atresia, retardation, genital and ear anomalies; CHARGE association; Hall-Hittner syndrome. Identifiers: Orphanet 138, MedGen C0265354, MONDO:0008965.

Allele frequency attached by ClinVar (database versions not stated): ExAC 0.00001.
gnomAD v4.1: 9 of 1,614,046 alleles (0.00056%); highest among the groups gnomAD compares: Non-Finnish European, 0.00076%; no homozygotes.

Submissions (3):

Labcorp Genetics (formerly Invitae), Labcorp
Classification: Likely benign for CHARGE syndrome. Last evaluated: 2026-01-01. Review status: criteria provided, single submitter. Criteria: Invitae Variant Classification Sherloc (09022015). Collection method: clinical testing. Allele origin: germline.

Ambry Genetics
Classification: Uncertain significance for Inborn genetic diseases. Last evaluated: 2023-04-16. Review status: criteria provided, single submitter. Criteria: Ambry Variant Classification Scheme 2023. Collection method: clinical testing. Allele origin: germline.
Comment: The p.M450R variant (also known as c.1349T>G), located in coding exon 1 of the CHD7 gene, results from a T to G substitution at nucleotide position 1349. The methionine at codon 450 is replaced by arginine, an amino acid with similar properties. This amino acid position is conserved. In addition, the in silico prediction for this alteration is inconclusive. Since supporting evidence is limited at this time, the clinical significance of this alteration remains unclear.

Blueprint Genetics
Classification: Uncertain significance. Last evaluated: 2020-02-03. Review status: criteria provided, single submitter. Criteria: ACMG Guidelines, 2015. Collection method: clinical testing. Allele origin: germline.